The following is an entry in ClinVar:

ClinVar aggregate classification (germline): Uncertain significance (1 of 4 stars; one submission).

Submission:

GeneDx
Classification: Uncertain significance. Last evaluated: 2021-03-11. Review status: criteria provided, single submitter. Criteria: GeneDx Variant Classification Process June 2021. Collection method: clinical testing. Allele origin: germline. Affected: yes.
Comment: Not observed in large population cohorts (Lek et al., 2016); Intronic +5 splice site variant in a gene for which loss-of-function is a known mechanism of disease, and both splice predictors and evolutionary conservation support a deleterious effect, although in the absence of functional evidence the actual effect of this sequence change is unknown.; Has not been previously published as pathogenic or benign to our knowledge

NM_030928.4(CDT1):c.686+5G>A

Gene: CDT1 (chromatin licensing and DNA replication factor 1; plus strand). Cytogenetic location: 16q24.3.
Variant type: single nucleotide variant.
Coding change: c.686+5G>A on transcript NM_030928.4 (MANE Select); 5 bases into the intron after coding-DNA position 686, G replaced by A.
Molecular consequence: intron variant.
Genome position (GRCh38, 1-based): chr16:88,805,642, G>A. VCF-style: chr16-88805642-G-A. GRCh37 (hg19) VCF-style: chr16-88872050-G-A.
Identifiers: ClinVar variation 1304022 (VCV001304022.2), dbSNP rs755695035, ClinGen allele CA2241305108.